The following is an entry in ClinVar:

ClinVar aggregate classification (germline): Pathogenic (1 of 4 stars; one submission).

Conditions:
Lynch syndrome 4 (LYNCH4). Also called: Hereditary non-polyposis colorectal cancer, type 4; Colorectal cancer, hereditary nonpolyposis, type 4. Identifiers: Orphanet 144, MedGen C1838333, MONDO:0013699, OMIM 614337. Disease mechanism: loss of function.

Submission:

Myriad Genetics, Inc.
Classification: Pathogenic for Lynch syndrome 4. Last evaluated: 2023-09-20. Review status: criteria provided, single submitter. Criteria: Myriad Autosomal Dominant, Autosomal Recessive and X-Linked Classification Criteria (2023). Collection method: clinical testing. Allele origin: unknown.
Comment: This variant is considered pathogenic. This variant creates a frameshift predicted to result in premature protein truncation.

NM_000535.7(PMS2):c.1223del (p.Thr408fs)

Gene: PMS2 (PMS1 homolog 2, mismatch repair system component; minus strand). Cytogenetic location: 7p22.1.
Variant type: Deletion.
Coding change: c.1223del on transcript NM_000535.7 (MANE Select); coding-DNA position 1223, one base deleted (C; older notation c.1223delC).
Protein change: p.Thr408fs; shifts the reading frame from threonine 408.
Molecular consequence: frameshift variant. On other transcripts: non-coding transcript variant (1), intron variant (1).
Genome position (GRCh38, 1-based): chr7:5,987,542, G deleted on the plus strand (C on the coding strand, the reverse complement: PMS2 is on the minus strand). VCF-style (leftmost placement, unchanged base first): chr7-5987541-AG-A. GRCh37 (hg19) VCF-style: chr7-6027172-AG-A.
Other names: c.818delC, p.Thr273Metfs (NM_001018040.1); c.818del, p.Thr273fs (NM_001322003.2, NM_001322004.2, NM_001322005.2 and 16 more transcripts); c.1067del, p.Thr356fs (NM_001322006.2, NM_001406870.1); c.905del, p.Thr302fs (NM_001322007.2, NM_001322008.2, NM_001406876.1 and 2 more transcripts); c.662del, p.Thr221fs (NM_001322010.2, NM_001406906.1, NM_001406907.1); c.290del, p.Thr97fs (NM_001322011.2, NM_001322012.2); c.650del, p.Thr217fs (NM_001322013.2, NM_001406909.1); c.1223del, p.Thr408fs (NM_001322014.2, NM_001406871.1, NM_001406872.1); and 14 more; short protein forms T151fs, T217fs, T221fs, T237fs, T250fs, T253fs, T273fs, T286fs.
Identifiers: ClinVar variation 2674258 (VCV002674258.1), dbSNP rs2535831699, ClinGen allele CA2695198453.
Genomic context (GRCh38, chr7:5,987,541, plus strand): 5'-GTGACGAAGAGAAAAGGCCTCTCGCAGTCTGGAAATGGACACGTCTTTTTTTTCTTCTCC[AG>A]TCCTTAATGAAGGGGATTGATCCTGCTTTTCTACCATGGGCTTTTCCAAATCCGCTGCAT-3'